The following is an entry in ClinVar:

ClinVar aggregate classification (germline): Uncertain significance (1 of 4 stars; one submission).

Conditions:
Long QT syndrome (LQTS). Identifiers: MedGen C0023976, MeSH D008133, MONDO:0002442. Disease mechanism: loss of function. Inheritance: Various modes of inheritance.

Submission:

Labcorp Genetics (formerly Invitae), Labcorp
Classification: Uncertain significance for Long QT syndrome. Last evaluated: 2021-10-20. Review status: criteria provided, single submitter. Criteria: Invitae Variant Classification Sherloc (09022015). Collection method: clinical testing. Allele origin: germline.
Comment: In summary, the available evidence is currently insufficient to determine the role of this variant in disease. Therefore, it has been classified as a Variant of Uncertain Significance. Experimental studies and prediction algorithms are not available or were not evaluated, and the functional significance of this variant is currently unknown. This variant has not been reported in the literature in individuals affected with CACNA1C-related conditions. This variant results in a copy number gain of the genomic region encompassing exon(s) 1-4 of the CACNA1C gene. This region includes the initiator codon of the gene. This copy number gain extends beyond the assayed region for this gene and therefore may encompass additional genes. As the precise location of this event is unknown, it may be in tandem or it may be located elsewhere in the genome.

NC_000012.11:g.(?_2016586)_(2558301_?)dup

Genes: CACNA1C (calcium voltage-gated channel subunit alpha1 C; plus strand), CACNA2D4 (calcium voltage-gated channel auxiliary subunit alpha2delta 4; minus strand), DCP1B (decapping mRNA 1B; minus strand). Cytogenetic location: 12p13.33.
Variant type: Duplication.
Identifiers: ClinVar variation 2423370 (VCV002423370.5).